The following is an entry in ClinVar:

NM_000487.6(ARSA):c.1197C>G (p.His399Gln)

Gene: ARSA (arylsulfatase A; minus strand). Cytogenetic location: 22q13.33.
Variant type: single nucleotide variant.
Coding change: c.1197C>G on transcript NM_000487.6 (MANE Select); coding-DNA position 1197, C replaced by G.
Protein change: p.His399Gln; replaces histidine 399 with glutamine.
Molecular consequence: missense variant.
Genome position (GRCh38, 1-based): chr22:50,625,592, G>C on the plus strand (C>G on the coding strand, the complement: ARSA is on the minus strand). VCF-style: chr22-50625592-G-C. GRCh37 (hg19) VCF-style: chr22-51064020-G-C.
Other names: c.1197C>G, p.His399Gln (NM_001085425.3, NM_001085426.3, NM_001085427.3); c.939C>G, p.His313Gln (NM_001085428.3, NM_001362782.2); short protein forms H399Q, H313Q.
Identifiers: ClinVar variation 1482938 (VCV001482938.11), dbSNP rs752206330, ClinGen allele CA10324799.

ClinVar aggregate classification (germline): Conflicting classifications of pathogenicity. Review status: criteria provided, conflicting classifications (1 of 4 stars). 2 submissions from 2 submitters: Likely pathogenic (1); Uncertain significance (1). Last evaluated 2026-09-04.

Conditions:
Metachromatic leukodystrophy (MLD). Also called: ARSA DEFICIENCY; Arylsulfatase A Deficiency; Cerebral sclerosis diffuse metachromatic form; SULFATIDE LIPIDOSIS; CEREBROSIDE SULFATASE DEFICIENCY; METACHROMATIC LEUKOENCEPHALOPATHY. Identifiers: Orphanet 512, MedGen C0023522, MONDO:0018868, OMIM 250100.

Allele frequency attached by ClinVar (database versions not stated): gnomAD exomes below 0.00001; ExAC 0.00001; gnomAD 0.00001.
gnomAD v4.1: 9 of 1,613,420 alleles (0.00056%); highest among the groups gnomAD compares: Non-Finnish European, 0.00068%; no homozygotes.

Submissions (2):

Myriad Genetics, Inc.
Classification: Uncertain significance for Metachromatic leukodystrophy. Last evaluated: 2026-09-04. Review status: criteria provided, single submitter. Criteria: Myriad Autosomal Dominant, Autosomal Recessive and X-Linked Classification Criteria (2023). Collection method: clinical testing. Allele origin: unknown.
Comment: NM_000487.5(ARSA):c.1197C>G(H399Q) is a missense variant classified as a variant of uncertain significance in the context of metachromatic leukodystrophy. H399Q has not been observed in cases with relevant disease. Relevant functional assessments of this variant are available in the literature (PMID: 37480112). H399Q has not been observed in referenced population frequency databases. In summary, there is insufficient evidence to classify NM_000487.5(ARSA):c.1197C>G(H399Q) as pathogenic or benign. Please note: this variant was assessed in the context of healthy population screening.

Labcorp Genetics (formerly Invitae), Labcorp
Classification: Likely pathogenic for Metachromatic leukodystrophy. Last evaluated: 2025-01-06. Review status: criteria provided, single submitter. Criteria: Invitae Variant Classification Sherloc (09022015). Collection method: clinical testing. Allele origin: germline.
Comment: This sequence change replaces histidine, which is basic and polar, with glutamine, which is neutral and polar, at codon 399 of the ARSA protein (p.His399Gln). This variant is present in population databases (rs752206330, gnomAD 0.0009%). This variant has not been reported in the literature in individuals affected with ARSA-related conditions. ClinVar contains an entry for this variant (Variation ID: 1482938). Invitae Evidence Modeling of protein sequence and biophysical properties (such as structural, functional, and spatial information, amino acid conservation, physicochemical variation, residue mobility, and thermodynamic stability) indicates that this missense variant is expected to disrupt ARSA protein function with a positive predictive value of 95%. This variant disrupts the p.His399 amino acid residue in ARSA. Other variant(s) that disrupt this residue have been determined to be pathogenic (PMID: 9452102, 20339381, 28762252). This suggests that this residue is clinically significant, and that variants that disrupt this residue are likely to be disease-causing. In summary, the currently available evidence indicates that the variant is pathogenic, but additional data are needed to prove that conclusively. Therefore, this variant has been classified as Likely Pathogenic.

Literature cited by the submitters: PubMed 37480112 (cited by Myriad Genetics, Inc.); PubMed 9452102 (cited by Labcorp Genetics (formerly Invitae), Labcorp); PubMed 20339381 (cited by Labcorp Genetics (formerly Invitae), Labcorp); PubMed 28762252 (cited by Labcorp Genetics (formerly Invitae), Labcorp).